The following is an entry in ClinVar:

ClinVar aggregate classification (germline): Uncertain significance (1 of 4 stars; one submission).

Conditions:
Dilated cardiomyopathy 1KK (CMD1KK). Identifiers: Orphanet 154, Orphanet 75249, MedGen C3714995, MONDO:0014100, OMIM 615248.

Submission:

Labcorp Genetics (formerly Invitae), Labcorp
Classification: Uncertain significance for Dilated cardiomyopathy 1KK. Last evaluated: 2019-11-04. Review status: criteria provided, single submitter. Criteria: Invitae Variant Classification Sherloc (09022015). Collection method: clinical testing. Allele origin: germline.
Comment: In summary, the available evidence is currently insufficient to determine the role of this variant in disease. Therefore, it has been classified as a Variant of Uncertain Significance. Algorithms developed to predict the effect of missense changes on protein structure and function output the following: SIFT: "Tolerated"; PolyPhen-2: "Benign"; Align-GVGD: "Class C0". The aspartic acid amino acid residue is found in multiple mammalian species, suggesting that this missense change does not adversely affect protein function. These predictions have not been confirmed by published functional studies and their clinical significance is uncertain. This variant has not been reported in the literature in individuals with MYPN-related conditions. This variant is not present in population databases (ExAC no frequency). This sequence change replaces glutamic acid with aspartic acid at codon 367 of the MYPN protein (p.Glu367Asp). The glutamic acid residue is highly conserved and there is a small physicochemical difference between glutamic acid and aspartic acid.

NM_032578.4(MYPN):c.1101A>C (p.Glu367Asp)

Gene: MYPN (myopalladin; plus strand). Cytogenetic location: 10q21.3.
Variant type: single nucleotide variant.
Coding change: c.1101A>C on transcript NM_032578.4 (MANE Select); coding-DNA position 1101, A replaced by C.
Protein change: p.Glu367Asp; replaces glutamic acid 367 with aspartic acid.
Molecular consequence: missense variant. On other transcripts: non-coding transcript variant (2).
Genome position (GRCh38, 1-based): chr10:68,145,497, A>C. VCF-style: chr10-68145497-A-C. GRCh37 (hg19) VCF-style: chr10-69905254-A-C.
Other names: c.1101A>C, p.Glu367Asp (NM_001256267.2); c.219A>C, p.Glu73Asp (NM_001256268.2); short protein forms E367D, E73D.
Identifiers: ClinVar variation 953652 (VCV000953652.9), dbSNP rs2042648604, ClinGen allele CA376830524.